The following is an entry in ClinVar:

NM_001378120.1(MBD5):c.2074G>A (p.Gly692Ser)

Gene: MBD5 (methyl-CpG binding domain protein 5; plus strand). Cytogenetic location: 2q23.1.
Variant type: single nucleotide variant.
Coding change: c.2074G>A on transcript NM_001378120.1 (MANE Select); coding-DNA position 2074, G replaced by A.
Protein change: p.Gly692Ser; replaces glycine 692 with serine.
Molecular consequence: missense variant.
Genome position (GRCh38, 1-based): chr2:148,470,017, G>A. VCF-style: chr2-148470017-G-A. GRCh37 (hg19) VCF-style: chr2-149227586-G-A.
Other names: p.Gly692Ser; c.2074G>A, p.Gly692Ser (NM_018328.5); short protein forms G692S.
Identifiers: ClinVar variation 932371 (VCV000932371.47), dbSNP rs983507514, ClinGen allele CA57579398.

ClinVar aggregate classification (germline): Uncertain significance. Review status: criteria provided, multiple submitters, no conflicts (2 of 4 stars). 3 submissions from 3 submitters: Uncertain significance (3). Last evaluated 2024-05-15.

Conditions:
Intellectual developmental disorder, autosomal dominant 1. Also called: Intellectual disability, autosomal dominant 1; MBD5 Haploinsufficiency. Identifiers: Orphanet 228402, MedGen C1969562, MONDO:0007974, OMIM 156200.

Allele frequency attached by ClinVar (database versions not stated): gnomAD exomes 0.00001; TOPMed 0.00002; gnomAD 0.00001.
gnomAD v4.1: 10 of 1,613,626 alleles (0.00062%); highest among the groups gnomAD compares: Non-Finnish European, 0.00076%; no homozygotes.

Submissions (3):

Labcorp Genetics (formerly Invitae), Labcorp
Classification: Uncertain significance for Intellectual developmental disorder, autosomal dominant 1. Last evaluated: 2024-05-15. Review status: criteria provided, single submitter. Criteria: Invitae Variant Classification Sherloc (09022015). Collection method: clinical testing. Allele origin: germline.
Comment: This sequence change replaces glycine, which is neutral and non-polar, with serine, which is neutral and polar, at codon 692 of the MBD5 protein (p.Gly692Ser). This variant is not present in population databases (gnomAD no frequency). This variant has not been reported in the literature in individuals affected with MBD5-related conditions. ClinVar contains an entry for this variant (Variation ID: 932371). Advanced modeling of protein sequence and biophysical properties (such as structural, functional, and spatial information, amino acid conservation, physicochemical variation, residue mobility, and thermodynamic stability) performed at Invitae indicates that this missense variant is not expected to disrupt MBD5 protein function with a negative predictive value of 80%. In summary, the available evidence is currently insufficient to determine the role of this variant in disease. Therefore, it has been classified as a Variant of Uncertain Significance.

Mayo Clinic Laboratories, Mayo Clinic
Classification: Uncertain significance. Last evaluated: 2021-05-14. Review status: criteria provided, single submitter. Criteria: ACMG Guidelines, 2015. Collection method: clinical testing. Allele origin: germline.

CeGaT Center for Human Genetics Tuebingen
Classification: Uncertain significance. Last evaluated: 2020-07-01. Review status: criteria provided, single submitter. Criteria: CeGaT Center For Human Genetics Tuebingen Variant Classification Criteria Version 2. Collection method: clinical testing. Allele origin: germline. Affected: yes. Observed: 1 variant allele.